The following is an entry in ClinVar:

ClinVar aggregate classification (germline): Uncertain significance. Review status: criteria provided, multiple submitters, no conflicts (2 of 4 stars). 2 submissions from 2 submitters: Uncertain significance (2). Last evaluated 2024-11-01.

Conditions:
Hereditary cancer-predisposing syndrome. Also called: Neoplastic Syndromes, Hereditary; Hereditary neoplastic syndrome; Tumor predisposition; Hereditary Cancer Syndrome. Identifiers: Orphanet 140162, MedGen C0027672, MeSH D009386, MONDO:0015356.
Multiple endocrine neoplasia, type 1 (MEN1). Also called: MEA I; MEN I; WERMER SYNDROME; Endocrine adenomatosis multiple; MEN 1. Identifiers: Orphanet 652, MedGen C0025267, MeSH D018761, MONDO:0007540, OMIM 131100.

Allele frequency attached by ClinVar (database versions not stated): gnomAD exomes below 0.00001.
gnomAD v4.1: 3 of 1,614,158 alleles (0.00019%); highest among the groups gnomAD compares: Middle Eastern, 0.016%; no homozygotes.

Submissions (2):

Ambry Genetics
Classification: Uncertain significance for Hereditary cancer-predisposing syndrome. Last evaluated: 2024-11-01. Review status: criteria provided, single submitter. Criteria: Ambry Variant Classification Scheme 2023. Collection method: clinical testing. Allele origin: germline.
Comment: The p.R232H variant (also known as c.695G>A), located in coding exon 3 of the MEN1 gene, results from a G to A substitution at nucleotide position 695. The arginine at codon 232 is replaced by histidine, an amino acid with highly similar properties. This amino acid position is highly conserved in available vertebrate species. In addition, this alteration is predicted to be deleterious by in silico analysis. Based on the available evidence, the clinical significance of this variant remains unclear.

Labcorp Genetics (formerly Invitae), Labcorp
Classification: Uncertain significance for Multiple endocrine neoplasia, type 1. Last evaluated: 2024-09-06. Review status: criteria provided, single submitter. Criteria: Invitae Variant Classification Sherloc (09022015). Collection method: clinical testing. Allele origin: germline.
Comment: This sequence change replaces arginine, which is basic and polar, with histidine, which is basic and polar, at codon 232 of the MEN1 protein (p.Arg232His). This variant is not present in population databases (gnomAD no frequency). This variant has not been reported in the literature in individuals affected with MEN1-related conditions. ClinVar contains an entry for this variant (Variation ID: 840570). Invitae Evidence Modeling of protein sequence and biophysical properties (such as structural, functional, and spatial information, amino acid conservation, physicochemical variation, residue mobility, and thermodynamic stability) indicates that this missense variant is expected to disrupt MEN1 protein function with a positive predictive value of 95%. In summary, the available evidence is currently insufficient to determine the role of this variant in disease. Therefore, it has been classified as a Variant of Uncertain Significance.

NM_001370259.2(MEN1):c.695G>A (p.Arg232His)

Gene: MEN1 (menin 1; minus strand). Cytogenetic location: 11q13.1.
Variant type: single nucleotide variant.
Coding change: c.695G>A on transcript NM_001370259.2 (MANE Select); coding-DNA position 695, G replaced by A.
Protein change: p.Arg232His; replaces arginine 232 with histidine.
Molecular consequence: missense variant.
Genome position (GRCh38, 1-based): chr11:64,807,640, C>T on the plus strand (G>A on the coding strand, the complement: MEN1 is on the minus strand). VCF-style: chr11-64807640-C-T. GRCh37 (hg19) VCF-style: chr11-64575112-C-T.
Other names: c.590G>A, p.Arg197His (NM_001370262.2, NM_001370263.2); c.695G>A, p.Arg232His (NM_130799.3, NM_001370251.2, NM_001370260.2 and 1 more transcripts); c.710G>A, p.Arg237His (NM_130800.3, NM_130801.3, NM_130802.3 and 3 more transcripts); short protein forms R237H, R232H, R197H.
Identifiers: ClinVar variation 840570 (VCV000840570.10), dbSNP rs1941826992, ClinGen allele CA381184622.